The following is an entry in ClinVar:

ClinVar aggregate classification (germline): Conflicting classifications of pathogenicity. Review status: criteria provided, conflicting classifications (1 of 4 stars). 4 submissions from 4 submitters: Uncertain significance (2); Likely benign (1). 1 of the submissions does not count toward it. Last evaluated 2025-08-20.

Conditions:
Hypotonia, infantile, with psychomotor retardation and characteristic facies 1 (INNFD). Identifiers: Orphanet 371364, Orphanet 700336, MedGen C3809454, MONDO:0024567, OMIM 615419.
Inborn genetic diseases. Identifiers: MedGen C0950123, MeSH D030342.

Allele frequency attached by ClinVar (database versions not stated): ExAC 0.00004; TOPMed 0.00008; gnomAD exomes 0.00005 and 0.00009; gnomAD 0.00009 and 0.00010; ESP Exome Variant Server 0.00023.

Submissions (4):

Ambry Genetics
Classification: Uncertain significance for Inborn genetic diseases. Last evaluated: 2025-08-20. Review status: criteria provided, single submitter. Criteria: Ambry Variant Classification Scheme 2023. Collection method: clinical testing. Allele origin: germline.

Labcorp Genetics (formerly Invitae), Labcorp
Classification: Likely benign. Last evaluated: 2025-01-22. Review status: criteria provided, single submitter. Criteria: Invitae Variant Classification Sherloc (09022015). Collection method: clinical testing. Allele origin: germline.

GeneDx
Classification: Uncertain significance. Last evaluated: 2024-01-29. Review status: criteria provided, single submitter. Criteria: GeneDx Variant Classification Process June 2021. Collection method: clinical testing. Allele origin: germline. Affected: yes.
Comment: In silico analysis supports that this missense variant does not alter protein structure/function; Has not been previously published as pathogenic or benign to our knowledge

Biochemical Molecular Genetic Laboratory, King Abdulaziz Medical City
Classification: Uncertain significance for Hypotonia, infantile, with psychomotor retardation and characteristic facies 1. Last evaluated: 2019-08-25. Review status: no assertion criteria provided. Collection method: clinical testing. Allele origin: germline. Affected: yes. Not counted in ClinVar's aggregate classification.

NM_052867.4(NALCN):c.883C>T (p.Arg295Cys)

Gene: NALCN (sodium leak channel, non-selective; minus strand). Cytogenetic location: 13q33.1.
Variant type: single nucleotide variant.
Coding change: c.883C>T on transcript NM_052867.4 (MANE Select); coding-DNA position 883, C replaced by T.
Protein change: p.Arg295Cys; replaces arginine 295 with cysteine.
Molecular consequence: missense variant.
Genome position (GRCh38, 1-based): chr13:101,292,283, G>A on the plus strand (C>T on the coding strand, the complement: NALCN is on the minus strand). VCF-style: chr13-101292283-G-A. GRCh37 (hg19) VCF-style: chr13-101944634-G-A.
Other names: c.883C>T, p.Arg295Cys (NM_001350748.2, NM_001350749.2, NM_001350750.2 and 1 more transcripts); short protein forms R295C.
Identifiers: ClinVar variation 784273 (VCV000784273.12), dbSNP rs372035044, ClinGen allele CA7036362.